The following is an entry in ClinVar:

ClinVar aggregate classification (germline): Likely pathogenic. Review status: criteria provided, multiple submitters, no conflicts (2 of 4 stars). 3 submissions from 3 submitters: Likely pathogenic (2). 1 of the submissions does not count toward it. Last evaluated 2025-12-09.

Conditions:
Lamellar ichthyosis. Identifiers: Orphanet 313, MedGen C5848247, MONDO:0017778.
Autosomal recessive congenital ichthyosis 5 (ARCI5). Also called: ICHTHYOSIS CONGENITA III; Ichthyosis, nonlamellar and nonerythrodermic, congenital, autosomal recessive. Identifiers: Orphanet 313, MedGen C1858133, MONDO:0011485, OMIM 604777.

Allele frequency attached by ClinVar (database versions not stated): gnomAD exomes below 0.00001 and 0.00003; gnomAD 0.00001 and 0.00002; TOPMed 0.00002.
gnomAD v4.1: 42 of 1,613,730 alleles (0.0026%); highest among the groups gnomAD compares: South Asian, 0.0044%; no homozygotes.

Submissions (3):

Women's Health and Genetics/Laboratory Corporation of America, LabCorp
Classification: Likely pathogenic for Lamellar ichthyosis. Last evaluated: 2025-12-09. Review status: criteria provided, single submitter. Criteria: LabCorp Variant Classification Summary - May 2015. Collection method: clinical testing. Allele origin: germline.
Comment: Variant summary: CYP4F22 c.1114C>T (p.Arg372Trp) results in a non-conservative amino acid change in the encoded protein sequence. Algorithms developed to predict the effect of missense changes on protein structure and function all suggest that this variant is likely to be disruptive. The variant allele was found at a frequency of 4e-06 in 250638 control chromosomes. c.1114C>T has been observed in individual(s) affected with Lamellar Ichthyosis (example: Hotz_2018). These data indicate that the variant is likely to be associated with disease. To our knowledge, no experimental evidence demonstrating an impact on protein function has been reported. The following publication has been ascertained in the context of this evaluation (PMID: 30011118). ClinVar contains an entry for this variant (Variation ID: 560328). Based on the evidence outlined above, the variant was classified as likely pathogenic.

Fulgent Genetics
Classification: Likely pathogenic for Autosomal recessive congenital ichthyosis 5. Last evaluated: 2024-04-28. Review status: criteria provided, single submitter. Criteria: ACMG Guidelines, 2015. Collection method: clinical testing. Allele origin: germline.

Institute for Human Genetics, University Medical Center Freiburg
Classification: Pathogenic for Autosomal recessive congenital ichthyosis 5. Last evaluated: 2018-04-23. Review status: no assertion criteria provided. Collection method: clinical testing. Allele origin: germline. Affected: yes. Not counted in ClinVar's aggregate classification.

Literature cited by the submitters: PubMed 30011118 (cited by Women's Health and Genetics/Laboratory Corporation of America, LabCorp); PubMed 16436457 (cited by Institute for Human Genetics, University Medical Center Freiburg).

NM_173483.4(CYP4F22):c.1114C>T (p.Arg372Trp)

Gene: CYP4F22 (cytochrome P450 family 4 subfamily F member 22; plus strand). Cytogenetic location: 19p13.12.
Variant type: single nucleotide variant.
Coding change: c.1114C>T on transcript NM_173483.4 (MANE Select); coding-DNA position 1114, C replaced by T.
Protein change: p.Arg372Trp; replaces arginine 372 with tryptophan.
Molecular consequence: missense variant.
Genome position (GRCh38, 1-based): chr19:15,544,257, C>T. VCF-style: chr19-15544257-C-T. GRCh37 (hg19) VCF-style: chr19-15655068-C-T.
Other names: short protein forms R372W.
Identifiers: ClinVar variation 560328 (VCV000560328.5), dbSNP rs201129618, ClinGen allele CA305829729.